The following is an entry in ClinVar:

NM_024642.5(GALNT12):c.281A>G (p.Gln94Arg)

Gene: GALNT12 (polypeptide N-acetylgalactosaminyltransferase 12; plus strand). Cytogenetic location: 9q22.33.
Variant type: single nucleotide variant.
Coding change: c.281A>G on transcript NM_024642.5 (MANE Select); coding-DNA position 281, A replaced by G.
Protein change: p.Gln94Arg; replaces glutamine 94 with arginine.
Molecular consequence: missense variant.
Genome position (GRCh38, 1-based): chr9:98,807,979, A>G. VCF-style: chr9-98807979-A-G. GRCh37 (hg19) VCF-style: chr9-101570261-A-G.
Other names: short protein forms Q94R.
Identifiers: ClinVar variation 1047563 (VCV001047563.12), dbSNP rs868573205, ClinGen allele CA196833827.

ClinVar aggregate classification (germline): Uncertain significance. Review status: criteria provided, multiple submitters, no conflicts (2 of 4 stars). 3 submissions from 3 submitters: Uncertain significance (3). Last evaluated 2024-03-21.

Conditions:
Colorectal cancer, susceptibility to, 1. Also called: COLORECTAL ADENOMA AND CANCER, SUSCEPTIBILITY TO; COLORECTAL CANCER, SUSCEPTIBILITY TO, ON CHROMOSOME 9. Identifiers: MedGen C1837315, MONDO:0012132, OMIM 608812.

Allele frequency attached by ClinVar (database versions not stated): gnomAD exomes below 0.00001 and 0.00002; gnomAD 0.00001; TOPMed 0.00002.

Submissions (3):

Baylor Genetics
Classification: Uncertain significance for Colorectal cancer, susceptibility to, 1. Last evaluated: 2024-03-21. Review status: criteria provided, single submitter. Criteria: ACMG Guidelines, 2015. Collection method: clinical testing. Allele origin: unknown.

Ambry Genetics
Classification: Uncertain significance. Last evaluated: 2023-12-15. Review status: criteria provided, single submitter. Criteria: Ambry Variant Classification Scheme 2023. Collection method: clinical testing. Allele origin: germline.
Comment: The p.Q94R variant (also known as c.281A>G), located in coding exon 1 of the GALNT12 gene, results from an A to G substitution at nucleotide position 281. The glutamine at codon 94 is replaced by arginine, an amino acid with highly similar properties. This amino acid position is not well conserved in available vertebrate species. In addition, this alteration is predicted to be tolerated by in silico analysis. The evidence for this gene-disease relationship is limited; therefore, the clinical significance of this alteration is unclear.

Labcorp Genetics (formerly Invitae), Labcorp
Classification: Uncertain significance. Last evaluated: 2023-08-01. Review status: criteria provided, single submitter. Criteria: Invitae Variant Classification Sherloc (09022015). Collection method: clinical testing. Allele origin: germline.
Comment: In summary, the available evidence is currently insufficient to determine the role of this variant in disease. Therefore, it has been classified as a Variant of Uncertain Significance. Advanced modeling of protein sequence and biophysical properties (such as structural, functional, and spatial information, amino acid conservation, physicochemical variation, residue mobility, and thermodynamic stability) performed at Invitae indicates that this missense variant is not expected to disrupt GALNT12 protein function. ClinVar contains an entry for this variant (Variation ID: 1047563). This variant has not been reported in the literature in individuals affected with GALNT12-related conditions. The frequency data for this variant in the population databases is considered unreliable, as metrics indicate poor data quality at this position in the gnomAD database. This sequence change replaces glutamine, which is neutral and polar, with arginine, which is basic and polar, at codon 94 of the GALNT12 protein (p.Gln94Arg).